The following is an entry in ClinVar:

NM_024422.6(DSC2):c.2375A>G (p.Gln792Arg)

Gene: DSC2 (desmocollin 2; minus strand). Cytogenetic location: 18q12.1.
Variant type: single nucleotide variant.
Coding change: c.2375A>G on transcript NM_024422.6 (MANE Select); coding-DNA position 2375, A replaced by G.
Protein change: p.Gln792Arg; replaces glutamine 792 with arginine.
Molecular consequence: missense variant.
Genome position (GRCh38, 1-based): chr18:31,069,027, T>C on the plus strand (A>G on the coding strand, the complement: DSC2 is on the minus strand). VCF-style: chr18-31069027-T-C. GRCh37 (hg19) VCF-style: chr18-28648993-T-C.
Other names: c.1946A>G, p.Gln649Arg (NM_001406506.1, NM_001406507.1); c.2375A>G, p.Gln792Arg (NM_004949.5); short protein forms Q649R, Q792R.
Identifiers: ClinVar variation 1790345 (VCV001790345.7), dbSNP rs144557881, ClinGen allele CA297686331.

ClinVar aggregate classification (germline): Uncertain significance. Review status: criteria provided, multiple submitters, no conflicts (2 of 4 stars). 2 submissions from 2 submitters: Uncertain significance (2). Last evaluated 2026-01-20.

Conditions:
Cardiovascular phenotype. Identifiers: MedGen CN230736.
Arrhythmogenic right ventricular dysplasia 11. Also called: Arrhythmogenic Right Ventricular Dysplasia/Cardiomyopathy11; ARRHYTHMOGENIC RIGHT VENTRICULAR DYSPLASIA, FAMILIAL, 11; Arrhythmogenic right ventricular dysplasia 11 with mild palmoplantar keratoderma and woolly hair. Identifiers: MedGen C1864850, MONDO:0012506, OMIM 610476.

Allele frequency attached by ClinVar (database versions not stated): gnomAD exomes below 0.00001; TOPMed 0.00002; ESP Exome Variant Server 0.00008.

Submissions (2):

Labcorp Genetics (formerly Invitae), Labcorp
Classification: Uncertain significance for Arrhythmogenic right ventricular dysplasia 11. Last evaluated: 2026-01-20. Review status: criteria provided, single submitter. Criteria: Invitae Variant Classification Sherloc (09022015). Collection method: clinical testing. Allele origin: germline.
Comment: This sequence change replaces glutamine, which is neutral and polar, with arginine, which is basic and polar, at codon 792 of the DSC2 protein (p.Gln792Arg). This variant is not present in population databases (gnomAD no frequency). This variant has not been reported in the literature in individuals affected with DSC2-related conditions. ClinVar contains an entry for this variant (Variation ID: 1790345). Invitae Evidence Modeling of protein sequence and biophysical properties (such as structural, functional, and spatial information, amino acid conservation, physicochemical variation, residue mobility, and thermodynamic stability) has been performed for this missense variant. However, the output from this modeling did not meet the statistical confidence thresholds required to predict the impact of this variant on DSC2 protein function. In summary, the available evidence is currently insufficient to determine the role of this variant in disease. Therefore, it has been classified as a Variant of Uncertain Significance.

Ambry Genetics
Classification: Uncertain significance for Cardiovascular phenotype. Last evaluated: 2021-05-27. Review status: criteria provided, single submitter. Criteria: Ambry Variant Classification Scheme 2023. Collection method: clinical testing. Allele origin: germline.
Comment: The p.Q792R variant (also known as c.2375A>G), located in coding exon 15 of the DSC2 gene, results from an A to G substitution at nucleotide position 2375. The glutamine at codon 792 is replaced by arginine, an amino acid with highly similar properties. This amino acid position is well conserved in available vertebrate species. In addition, this alteration is predicted to be tolerated by in silico analysis. Since supporting evidence is limited at this time, the clinical significance of this alteration remains unclear.